The following is an entry in ClinVar:

ClinVar aggregate classification (germline): Uncertain significance (1 of 4 stars; one submission).

Submission:

Labcorp Genetics (formerly Invitae), Labcorp
Classification: Uncertain significance. Last evaluated: 2024-02-26. Review status: criteria provided, single submitter. Criteria: Invitae Variant Classification Sherloc (09022015). Collection method: clinical testing. Allele origin: germline.
Comment: This sequence change replaces glutamic acid, which is acidic and polar, with glycine, which is neutral and non-polar, at codon 1113 of the ITPR1 protein (p.Glu1113Gly). This variant is not present in population databases (gnomAD no frequency). This variant has not been reported in the literature in individuals affected with ITPR1-related conditions. Advanced modeling of protein sequence and biophysical properties (such as structural, functional, and spatial information, amino acid conservation, physicochemical variation, residue mobility, and thermodynamic stability) performed at Invitae indicates that this missense variant is expected to disrupt ITPR1 protein function with a positive predictive value of 95%. In summary, the available evidence is currently insufficient to determine the role of this variant in disease. Therefore, it has been classified as a Variant of Uncertain Significance.

NM_001378452.1(ITPR1):c.3410A>G (p.Glu1137Gly)

Gene: ITPR1 (inositol 1,4,5-trisphosphate receptor type 1; plus strand). Cytogenetic location: 3p26.1.
Variant type: single nucleotide variant.
Coding change: c.3410A>G on transcript NM_001378452.1 (MANE Select); coding-DNA position 3410, A replaced by G.
Protein change: p.Glu1137Gly; replaces glutamic acid 1137 with glycine.
Molecular consequence: missense variant.
Genome position (GRCh38, 1-based): chr3:4,683,710, A>G. VCF-style: chr3-4683710-A-G. GRCh37 (hg19) VCF-style: chr3-4725394-A-G.
Other names: c.3383A>G, p.Glu1128Gly (NM_001099952.4); c.3365A>G, p.Glu1122Gly (NM_001168272.2); c.3338A>G, p.Glu1113Gly (NM_002222.7); short protein forms E1128G, E1137G, E1113G, E1122G.
Identifiers: ClinVar variation 3643469 (VCV003643469.2).